The following is an entry in ClinVar:

ClinVar aggregate classification (germline): Likely benign. Review status: criteria provided, single submitter (1 of 4 stars). 2 submissions from 2 submitters: Likely benign (1). 1 of the submissions does not count toward it. Last evaluated 2024-02-15.

Conditions:
PEX16-related disorder. Also called: PEX16-related condition.
Peroxisome biogenesis disorder. Identifiers: Orphanet 79189, MedGen C1832200, MONDO:0019234. Disease mechanism: loss of function.

Allele frequency attached by ClinVar (database versions not stated): gnomAD exomes 0.00001 and 0.00002; ExAC 0.00002; TOPMed 0.00003; gnomAD 0.00004; ESP Exome Variant Server 0.00008.
gnomAD v4.1: 17 of 1,613,624 alleles (0.0011%); highest among the groups gnomAD compares: African/African-American, 0.008%; no homozygotes.

Submissions (2):

Labcorp Genetics (formerly Invitae), Labcorp
Classification: Likely benign for Peroxisome biogenesis disorder. Last evaluated: 2024-02-15. Review status: criteria provided, single submitter. Criteria: Invitae Variant Classification Sherloc (09022015). Collection method: clinical testing. Allele origin: germline.

PreventionGenetics, part of Exact Sciences
Classification: Likely benign for PEX16-related condition. Last evaluated: 2023-07-13. Review status: no assertion criteria provided. Collection method: clinical testing. Allele origin: germline. Not counted in ClinVar's aggregate classification.
Comment: This variant is classified as likely benign based on ACMG/AMP sequence variant interpretation guidelines (Richards et al. 2015 PMID: 25741868, with internal and published modifications).

NM_004813.4(PEX16):c.252A>G (p.Thr84=)

Gene: PEX16 (peroxisomal biogenesis factor 16; minus strand). Cytogenetic location: 11p11.2.
Variant type: single nucleotide variant.
Coding change: c.252A>G on transcript NM_004813.4 (MANE Select); coding-DNA position 252, A replaced by G.
Protein change: p.Thr84=; no amino-acid change (threonine 84 retained).
Molecular consequence: synonymous variant.
Genome position (GRCh38, 1-based): chr11:45,915,810, T>C on the plus strand (A>G on the coding strand, the complement: PEX16 is on the minus strand). VCF-style: chr11-45915810-T-C. GRCh37 (hg19) VCF-style: chr11-45937361-T-C.
Other names: c.252A>G (NM_004813.2); c.252A>G, p.Thr84= (NM_057174.3).
Identifiers: ClinVar variation 1585839 (VCV001585839.10), dbSNP rs367893667, ClinGen allele CA5960031.
Genomic context (GRCh38, chr11:45,915,810, plus strand): 5'-CCACACCTTGGCAGCTCCCATCTCCATGAACACCTCCACGCACTCCAGCACGCTCAGCCA[T>C]GTCAGCAGCTTCTGCTGGGACAGCGACTGCAAGAACCCCAGGCCAAGAAGTCAGGGGGCC-3'
Protein context (NP_004804.2, residues 74-94): PVSLSQQKLL[Thr84=]WLSVLECVEV